The following is an entry in ClinVar:

NM_000112.4(SLC26A2):c.1355A>G (p.His452Arg)

Gene: SLC26A2 (solute carrier family 26 member 2; plus strand). Cytogenetic location: 5q32.
Variant type: single nucleotide variant.
Coding change: c.1355A>G on transcript NM_000112.4 (MANE Select); coding-DNA position 1355, A replaced by G.
Protein change: p.His452Arg; replaces histidine 452 with arginine.
Molecular consequence: missense variant.
Genome position (GRCh38, 1-based): chr5:149,980,948, A>G. VCF-style: chr5-149980948-A-G. GRCh37 (hg19) VCF-style: chr5-149360511-A-G.
Other names: c.1355A>G (NM_000112.3); short protein forms H452R.
Identifiers: ClinVar variation 1023440 (VCV001023440.7), dbSNP rs1255485754, ClinGen allele CA361707702.

ClinVar aggregate classification (germline): Uncertain significance. Review status: criteria provided, multiple submitters, no conflicts (2 of 4 stars). 2 submissions from 2 submitters: Uncertain significance (2). Last evaluated 2024-11-15.

Conditions:
Achondrogenesis, type IB (ACG1B). Also called: Achondrogenesis Type 1B. Identifiers: Orphanet 932, Orphanet 93298, MedGen C0265274, MONDO:0010966, OMIM 600972.
Diastrophic dysplasia (DTD). Also called: Diastrophic dwarfism. Identifiers: Orphanet 628, MedGen C0220726, MONDO:0009107, OMIM 222600.
Multiple epiphyseal dysplasia type 4 (EDM4). Also called: MULTIPLE EPIPHYSEAL DYSPLASIA WITH BILAYERED PATELLAE; MULTIPLE EPIPHYSEAL DYSPLASIA WITH CLUBFOOT; MULTIPLE EPIPHYSEAL DYSPLASIA, AUTOSOMAL RECESSIVE; SLC26A2-Related Multiple Epiphyseal Dysplasia; Multiple Epiphyseal Dysplasia, Recessive. Identifiers: Orphanet 93307, MedGen C1847593, MONDO:0009189, OMIM 226900.
Atelosteogenesis type II (AO2). Also called: Neonatal osseous dysplasia 1; NEONATAL OSSEOUS DYSPLASIA I; SLC26A2-Related Atelosteogenesis. Identifiers: Orphanet 56304, MedGen C1850554, MONDO:0009727, OMIM 256050.
Inborn genetic diseases. Identifiers: MedGen C0950123, MeSH D030342.

Allele frequency attached by ClinVar (database versions not stated): gnomAD exomes below 0.00001; gnomAD 0.00001 and 0.00002; TOPMed 0.00001.
gnomAD v4.1: 4 of 1,614,062 alleles (0.00025%); highest among the groups gnomAD compares: African/African-American, 0.004%; no homozygotes.

Submissions (2):

Ambry Genetics
Classification: Uncertain significance for Inborn genetic diseases. Last evaluated: 2024-11-15. Review status: criteria provided, single submitter. Criteria: Ambry Variant Classification Scheme 2023. Collection method: clinical testing. Allele origin: germline.

Labcorp Genetics (formerly Invitae), Labcorp
Classification: Uncertain significance for Atelosteogenesis type II; Multiple epiphyseal dysplasia type 4; Achondrogenesis, type IB; Diastrophic dysplasia. Last evaluated: 2021-08-27. Review status: criteria provided, single submitter. Criteria: Invitae Variant Classification Sherloc (09022015). Collection method: clinical testing. Allele origin: germline.
Comment: This sequence change replaces histidine with arginine at codon 452 of the SLC26A2 protein (p.His452Arg). The histidine residue is weakly conserved and there is a small physicochemical difference between histidine and arginine. This variant is not present in population databases (ExAC no frequency). This variant has not been reported in the literature in individuals affected with SLC26A2-related conditions. Algorithms developed to predict the effect of missense changes on protein structure and function (SIFT, PolyPhen-2, Align-GVGD) all suggest that this variant is likely to be tolerated. In summary, the available evidence is currently insufficient to determine the role of this variant in disease. Therefore, it has been classified as a Variant of Uncertain Significance.